The following is an entry in ClinVar:

ClinVar aggregate classification (germline): Uncertain significance (1 of 4 stars; one submission).

Conditions:
Ehlers-Danlos syndrome, classic type, 1 (EDSCL1). Also called: EHLERS-DANLOS SYNDROME, GRAVIS TYPE; EHLERS-DANLOS SYNDROME, SEVERE CLASSIC TYPE; Ehlers-Danlos syndrome, type 1; EDS I; Ehlers-Danlos Syndrome, Classic Type, COL5A1-Related. Identifiers: MedGen C0268335, MONDO:0019567, OMIM 130000.

Submission:

Labcorp Genetics (formerly Invitae), Labcorp
Classification: Uncertain significance for Ehlers-Danlos syndrome, classic type, 1. Last evaluated: 2022-01-24. Review status: criteria provided, single submitter. Criteria: Invitae Variant Classification Sherloc (09022015). Collection method: clinical testing. Allele origin: germline.
Comment: This variant has not been reported in the literature in individuals affected with COL5A2-related conditions. This variant is not present in population databases (gnomAD no frequency). This sequence change replaces glycine, which is neutral and non-polar, with valine, which is neutral and non-polar, at codon 1267 of the COL5A2 protein (p.Gly1267Val). Advanced modeling of protein sequence and biophysical properties (such as structural, functional, and spatial information, amino acid conservation, physicochemical variation, residue mobility, and thermodynamic stability) performed at Invitae indicates that this missense variant is not expected to disrupt COL5A2 protein function. In summary, the available evidence is currently insufficient to determine the role of this variant in disease. Therefore, it has been classified as a Variant of Uncertain Significance.

NM_000393.5(COL5A2):c.3800G>T (p.Gly1267Val)

Gene: COL5A2 (collagen type V alpha 2 chain; minus strand). Cytogenetic location: 2q32.2.
Variant type: single nucleotide variant.
Coding change: c.3800G>T on transcript NM_000393.5 (MANE Select); coding-DNA position 3800, G replaced by T.
Protein change: p.Gly1267Val; replaces glycine 1267 with valine.
Molecular consequence: missense variant.
Genome position (GRCh38, 1-based): chr2:189,039,397, C>A on the plus strand (G>T on the coding strand, the complement: COL5A2 is on the minus strand). VCF-style: chr2-189039397-C-A. GRCh37 (hg19) VCF-style: chr2-189904123-C-A.
Other names: short protein forms G1267V.
Identifiers: ClinVar variation 2088041 (VCV002088041.4), dbSNP rs2469221220, ClinGen allele CA349857770.